The following is an entry in ClinVar:

ClinVar aggregate classification (germline): Uncertain significance. Review status: criteria provided, single submitter (1 of 4 stars). 2 submissions from 2 submitters: Uncertain significance (1). 1 of the submissions does not count toward it. Last evaluated 2022-05-28.

Conditions:
Lowe syndrome (OCRL). Also called: Oculocerebrorenal Syndrome; LOWE OCULOCEREBRORENAL SYNDROME; PHOSPHATIDYLINOSITOL 4,5-BISPHOSPHATE 5-PHOSPHATASE DEFICIENCY. Identifiers: Orphanet 534, MedGen C0028860, MONDO:0010645, OMIM 309000.
OCRL-related disorder. Also called: OCRL-related condition.

Submissions (2):

Labcorp Genetics (formerly Invitae), Labcorp
Classification: Uncertain significance for Lowe syndrome. Last evaluated: 2022-05-28. Review status: criteria provided, single submitter. Criteria: Invitae Variant Classification Sherloc (09022015). Collection method: clinical testing. Allele origin: germline.
Comment: This sequence change replaces arginine, which is basic and polar, with glycine, which is neutral and non-polar, at codon 556 of the OCRL protein (p.Arg556Gly). This variant is not present in population databases (gnomAD no frequency). This variant has not been reported in the literature in individuals affected with OCRL-related conditions. Advanced modeling of protein sequence and biophysical properties (such as structural, functional, and spatial information, amino acid conservation, physicochemical variation, residue mobility, and thermodynamic stability) performed at Invitae indicates that this missense variant is expected to disrupt OCRL protein function. In summary, the available evidence is currently insufficient to determine the role of this variant in disease. Therefore, it has been classified as a Variant of Uncertain Significance.

PreventionGenetics, part of Exact Sciences
Classification: Uncertain significance for OCRL-related condition. Last evaluated: 2024-05-24. Review status: no assertion criteria provided. Collection method: clinical testing. Allele origin: germline. Not counted in ClinVar's aggregate classification.
Comment: The OCRL c.1666A>G variant is predicted to result in the amino acid substitution p.Arg556Gly. To our knowledge, this variant has not been reported in the literature or in a large population database, indicating this variant is rare. At this time, the clinical significance of this variant is uncertain due to the absence of conclusive functional and genetic evidence.

NM_000276.4(OCRL):c.1666A>G (p.Arg556Gly)

Gene: OCRL (OCRL inositol polyphosphate-5-phosphatase; plus strand). Cytogenetic location: Xq26.1.
Variant type: single nucleotide variant.
Coding change: c.1666A>G on transcript NM_000276.4 (MANE Select); coding-DNA position 1666, A replaced by G.
Protein change: p.Arg556Gly; replaces arginine 556 with glycine.
Molecular consequence: missense variant.
Genome position (GRCh38, 1-based): chrX:129,575,203, A>G. VCF-style: chrX-129575203-A-G. GRCh37 (hg19) VCF-style: chrX-128709180-A-G.
Other names: c.1666A>G (NM_000276.3); c.1669A>G, p.Arg557Gly (NM_001318784.2); c.1666A>G, p.Arg556Gly (NM_001587.4); short protein forms R556G, R557G.
Identifiers: ClinVar variation 1947556 (VCV001947556.6), dbSNP rs2521918197, ClinGen allele CA414617733.